The following is an entry in ClinVar:

ClinVar aggregate classification (germline): Uncertain significance. Review status: criteria provided, multiple submitters, no conflicts (2 of 4 stars). 4 submissions from 4 submitters: Uncertain significance (4). Last evaluated 2024-12-17.

Conditions:
Cranioectodermal dysplasia 1 (CED1). Also called: LEVIN SYNDROME I. Identifiers: Orphanet 1515, MedGen C0432235, MONDO:0021093, OMIM 218330.
Inborn genetic diseases. Identifiers: MedGen C0950123, MeSH D030342.

Allele frequency attached by ClinVar (database versions not stated): gnomAD 0.00001 and 0.00002; gnomAD exomes 0.00003 and 0.00006; ExAC 0.00004; TOPMed 0.00004; ESP Exome Variant Server 0.00038.
gnomAD v4.1: 94 of 1,613,044 alleles (0.0058%); highest among the groups gnomAD compares: Non-Finnish European, 0.0067%; no homozygotes.

Submissions (4):

Ambry Genetics
Classification: Uncertain significance for Inborn genetic diseases. Last evaluated: 2024-12-17. Review status: criteria provided, single submitter. Criteria: Ambry Variant Classification Scheme 2023. Collection method: clinical testing. Allele origin: germline.

Labcorp Genetics (formerly Invitae), Labcorp
Classification: Uncertain significance for Cranioectodermal dysplasia 1. Last evaluated: 2023-08-14. Review status: criteria provided, single submitter. Criteria: Invitae Variant Classification Sherloc (09022015). Collection method: clinical testing. Allele origin: germline.
Comment: In summary, the available evidence is currently insufficient to determine the role of this variant in disease. Therefore, it has been classified as a Variant of Uncertain Significance. Advanced modeling of protein sequence and biophysical properties (such as structural, functional, and spatial information, amino acid conservation, physicochemical variation, residue mobility, and thermodynamic stability) performed at Invitae indicates that this missense variant is not expected to disrupt IFT122 protein function. ClinVar contains an entry for this variant (Variation ID: 343248). This variant has not been reported in the literature in individuals affected with IFT122-related conditions. This variant is present in population databases (rs140911243, gnomAD 0.007%). This sequence change replaces arginine, which is basic and polar, with glutamine, which is neutral and polar, at codon 724 of the IFT122 protein (p.Arg724Gln).

Fulgent Genetics
Classification: Uncertain significance for Cranioectodermal dysplasia 1. Last evaluated: 2022-02-11. Review status: criteria provided, single submitter. Criteria: ACMG Guidelines, 2015. Collection method: clinical testing. Allele origin: unknown.

Illumina Laboratory Services, Illumina
Classification: Uncertain significance for Cranioectodermal dysplasia 1. Last evaluated: 2018-01-13. Review status: criteria provided, single submitter. Criteria: ICSL Variant Classification Criteria 13 December 2019. Collection method: clinical testing. Allele origin: germline.

NM_052989.3(IFT122):c.2018G>A (p.Arg673Gln)

Gene: IFT122 (intraflagellar transport 122; plus strand). Cytogenetic location: 3q21.3.
Variant type: single nucleotide variant.
Coding change: c.2018G>A on transcript NM_052989.3 (MANE Select); coding-DNA position 2018, G replaced by A.
Protein change: p.Arg673Gln; replaces arginine 673 with glutamine.
Molecular consequence: missense variant.
Genome position (GRCh38, 1-based): chr3:129,492,166, G>A. VCF-style: chr3-129492166-G-A. GRCh37 (hg19) VCF-style: chr3-129211009-G-A.
Other names: c.2171G>A (NM_052985.2); c.1994G>A, p.Arg665Gln (NM_001280541.2); c.1568G>A, p.Arg523Gln (NM_001280545.2); c.1391G>A, p.Arg464Gln (NM_001280546.2); c.1841G>A, p.Arg614Gln (NM_018262.4); c.2171G>A, p.Arg724Gln (NM_052985.4); c.1685G>A, p.Arg562Gln (NM_052990.3); short protein forms R724Q, R562Q, R614Q, R523Q, R665Q, R673Q, R464Q.
Identifiers: ClinVar variation 343248 (VCV000343248.14), dbSNP rs140911243, ClinGen allele CA2606379.